The following is an entry in ClinVar:

ClinVar aggregate classification (germline): Uncertain significance (1 of 4 stars; one submission).

Allele frequency attached by ClinVar (database versions not stated): gnomAD exomes below 0.00001.
gnomAD v4.1: 1 of 1,199,564 alleles (0.000083%); highest among the groups gnomAD compares: Admixed American, 0.0023%; no homozygotes.

Submission:

GeneDx
Classification: Uncertain significance. Last evaluated: 2023-02-24. Review status: criteria provided, single submitter. Criteria: GeneDx Variant Classification Process June 2021. Collection method: clinical testing. Allele origin: germline. Affected: yes.
Comment: Not observed at significant frequency in large population cohorts (gnomAD); In silico analysis supports that this missense variant does not alter protein structure/function; Has not been previously published as pathogenic or benign to our knowledge

NM_015107.3(PHF8):c.2909C>T (p.Thr970Ile)

Gene: PHF8 (PHD finger protein 8; minus strand). Cytogenetic location: Xp11.22.
Variant type: single nucleotide variant.
Coding change: c.2909C>T on transcript NM_015107.3 (MANE Select); coding-DNA position 2909, C replaced by T.
Protein change: p.Thr970Ile; replaces threonine 970 with isoleucine.
Molecular consequence: missense variant.
Genome position (GRCh38, 1-based): chrX:53,940,257, G>A on the plus strand (C>T on the coding strand, the complement: PHF8 is on the minus strand). VCF-style: chrX-53940257-G-A. GRCh37 (hg19) VCF-style: chrX-53966690-G-A.
Other names: c.3017C>T, p.Thr1006Ile (NM_001184896.1); c.2606C>T, p.Thr869Ile (NM_001184897.2); short protein forms T1006I, T869I, T970I.
Identifiers: ClinVar variation 2578125 (VCV002578125.1), dbSNP rs1557083020, ClinGen allele CA413240766.